The following is an entry in ClinVar:

ClinVar aggregate classification (germline): Pathogenic (1 of 4 stars; one submission).

Submission:

Labcorp Genetics (formerly Invitae), Labcorp
Classification: Pathogenic. Last evaluated: 2022-09-17. Review status: criteria provided, single submitter. Criteria: Invitae Variant Classification Sherloc (09022015). Collection method: clinical testing. Allele origin: germline.
Comment: This sequence change creates a premature translational stop signal (p.Gly124Aspfs*29) in the COL4A3 gene. It is expected to result in an absent or disrupted protein product. Loss-of-function variants in COL4A3 are known to be pathogenic (PMID: 8956999, 24854265, 26809805, 27281700). This variant is not present in population databases (gnomAD no frequency). This variant has not been reported in the literature in individuals affected with COL4A3-related conditions. For these reasons, this variant has been classified as Pathogenic.

Literature cited by the submitters: PubMed 8956999; PubMed 24854265; PubMed 26809805; PubMed 27281700.

NM_000091.5(COL4A3):c.369del (p.Gly124fs)

Genes: COL4A3 (collagen type IV alpha 3 chain; plus strand), MFF-DT (MFF divergent transcript; minus strand). Cytogenetic location: 2q36.3.
Variant type: Deletion.
Coding change: c.369del on transcript NM_000091.5 (MANE Select); coding-DNA position 369, one base deleted (A; older notation c.369delA).
Protein change: p.Gly124fs; shifts the reading frame from glycine 124.
Molecular consequence: frameshift variant.
Genome position (GRCh38, 1-based): chr2:227,245,998, A deleted. VCF-style (leftmost placement, unchanged base first): chr2-227245997-CA-C. GRCh37 (hg19) VCF-style: chr2-228110713-CA-C.
Other names: short protein forms G124fs.
Identifiers: ClinVar variation 2022013 (VCV002022013.4), dbSNP rs2469502851, ClinGen allele CA2580065901.